The following is an entry in ClinVar:

NM_000143.4(FH):c.377A>T (p.Glu126Val)

Gene: FH (fumarate hydratase; minus strand). Cytogenetic location: 1q43.
Variant type: single nucleotide variant.
Coding change: c.377A>T on transcript NM_000143.4 (MANE Select); coding-DNA position 377, A replaced by T.
Protein change: p.Glu126Val; replaces glutamic acid 126 with valine.
Molecular consequence: missense variant.
Genome position (GRCh38, 1-based): chr1:241,513,604, T>A on the plus strand (A>T on the coding strand, the complement: FH is on the minus strand). VCF-style: chr1-241513604-T-A. GRCh37 (hg19) VCF-style: chr1-241676904-T-A.
Other names: short protein forms E126V.
Identifiers: ClinVar variation 3230447 (VCV003230447.1), dbSNP rs1417243893, ClinGen allele CA345440412.

ClinVar aggregate classification (germline): Likely pathogenic (1 of 4 stars; one submission).

Conditions:
Hereditary cancer-predisposing syndrome. Also called: Neoplastic Syndromes, Hereditary; Tumor predisposition; Hereditary neoplastic syndrome; Hereditary Cancer Syndrome. Identifiers: Orphanet 140162, MedGen C0027672, MeSH D009386, MONDO:0015356.

Submission:

Ambry Genetics
Classification: Likely pathogenic for Hereditary cancer-predisposing syndrome. Last evaluated: 2023-12-14. Review status: criteria provided, single submitter. Criteria: Ambry Variant Classification Scheme 2023. Collection method: clinical testing. Allele origin: germline.
Comment: The p.E126V variant (also known as c.377A>T), located in coding exon 3 of the FH gene, results from an A to T substitution at nucleotide position 377. The glutamic acid at codon 126 is replaced by valine, an amino acid with dissimilar properties. This alteration has been observed in at least one individual with a personal and/or family history that is consistent with FH-related disease (Ambry internal data). This amino acid position is highly conserved in available vertebrate species. In addition, this alteration is predicted to be deleterious by in silico analysis. This variant is considered to be rare based on population cohorts in the Genome Aggregation Database (gnomAD). Based on the majority of available evidence to date, this variant is likely to be pathogenic.